The following is an entry in ClinVar:

NM_001164508.2(NEB):c.23320C>T (p.Gln7774Ter)

Genes: NEB (nebulin; minus strand), RIF1 (replication timing regulatory factor 1; plus strand). Cytogenetic location: 2q23.3.
Variant type: single nucleotide variant.
Coding change: c.23320C>T on transcript NM_001164508.2 (MANE Select); coding-DNA position 23320, C replaced by T.
Protein change: p.Gln7774Ter; replaces glutamine 7774 with a stop codon.
Molecular consequence: nonsense.
Genome position (GRCh38, 1-based): chr2:151,512,759, G>A on the plus strand (C>T on the coding strand, the complement: NEB is on the minus strand). VCF-style: chr2-151512759-G-A. GRCh37 (hg19) VCF-style: chr2-152369273-G-A.
Other names: c.23320C>T, p.Gln7774Ter (NM_001164507.2); c.23425C>T, p.Gln7809Ter (NM_001271208.2); c.18217C>T, p.Gln6073Ter (NM_004543.5); short protein forms Q7809*, Q6073*, Q7774*.
Identifiers: ClinVar variation 2022737 (VCV002022737.4), dbSNP rs2552073441, ClinGen allele CA348749805.

ClinVar aggregate classification (germline): Pathogenic (1 of 4 stars; one submission).

Conditions:
Nemaline myopathy 2 (NEM2). Also called: Nemaline myopathy 2, autosomal recessive. Identifiers: MedGen C1850569, MONDO:0009725, OMIM 256030.

Submission:

Labcorp Genetics (formerly Invitae), Labcorp
Classification: Pathogenic for Nemaline myopathy 2. Last evaluated: 2023-01-19. Review status: criteria provided, single submitter. Criteria: Invitae Variant Classification Sherloc (09022015). Collection method: clinical testing. Allele origin: germline.
Comment: For these reasons, this variant has been classified as Pathogenic. This variant has not been reported in the literature in individuals affected with NEB-related conditions. This variant is not present in population databases (gnomAD no frequency). This sequence change creates a premature translational stop signal (p.Gln7809*) in the NEB gene. It is expected to result in an absent or disrupted protein product. Loss-of-function variants in NEB are known to be pathogenic (PMID: 25205138).

Literature cited by the submitters: PubMed 25205138.